The following is an entry in ClinVar:

NM_033305.3(VPS13A):c.5978G>A (p.Arg1993His)

Gene: VPS13A (vacuolar protein sorting 13 homolog A; plus strand). Cytogenetic location: 9q21.2.
Variant type: single nucleotide variant.
Coding change: c.5978G>A on transcript NM_033305.3 (MANE Select); coding-DNA position 5978, G replaced by A.
Protein change: p.Arg1993His; replaces arginine 1993 with histidine.
Molecular consequence: missense variant.
Genome position (GRCh38, 1-based): chr9:77,323,214, G>A. VCF-style: chr9-77323214-G-A. GRCh37 (hg19) VCF-style: chr9-79938130-G-A.
Other names: c.5861G>A, p.Arg1954His (NM_001018037.2); c.5978G>A, p.Arg1993His (NM_001018038.3, NM_015186.4); short protein forms R1954H, R1993H.
Identifiers: ClinVar variation 1412913 (VCV001412913.3), dbSNP rs769890530, ClinGen allele CA5092899.

ClinVar aggregate classification (germline): Uncertain significance (1 of 4 stars; one submission).

Allele frequency attached by ClinVar (database versions not stated): TOPMed 0.00001; gnomAD 0.00001; ExAC 0.00005.
gnomAD v4.1: 47 of 1,612,894 alleles (0.0029%); highest among the groups gnomAD compares: South Asian, 0.026%; no homozygotes.

Submission:

Labcorp Genetics (formerly Invitae), Labcorp
Classification: Uncertain significance. Last evaluated: 2021-10-21. Review status: criteria provided, single submitter. Criteria: Invitae Variant Classification Sherloc (09022015). Collection method: clinical testing. Allele origin: germline.
Comment: This sequence change replaces arginine with histidine at codon 1993 of the VPS13A protein (p.Arg1993His). The arginine residue is moderately conserved and there is a small physicochemical difference between arginine and histidine. This variant is present in population databases (rs769890530, ExAC 0.02%). This variant has not been reported in the literature in individuals with VPS13A-related conditions. Algorithms developed to predict the effect of missense changes on protein structure and function (SIFT, PolyPhen-2, Align-GVGD) all suggest that this variant is likely to be tolerated, but these predictions have not been confirmed by published functional studies and their clinical significance is uncertain. In summary, the available evidence is currently insufficient to determine the role of this variant in disease. Therefore, it has been classified as a Variant of Uncertain Significance.